The following is an entry in ClinVar:

NM_000089.4(COL1A2):c.1690G>C (p.Ala564Pro)

Gene: COL1A2 (collagen type I alpha 2 chain; plus strand). Cytogenetic location: 7q21.3.
Variant type: single nucleotide variant.
Coding change: c.1690G>C on transcript NM_000089.4 (MANE Select); coding-DNA position 1690, G replaced by C.
Protein change: p.Ala564Pro; replaces alanine 564 with proline.
Molecular consequence: missense variant.
Genome position (GRCh38, 1-based): chr7:94,414,246, G>C. VCF-style: chr7-94414246-G-C. GRCh37 (hg19) VCF-style: chr7-94043558-G-C.
Other names: short protein forms A564P.
Identifiers: ClinVar variation 1698291 (VCV001698291.3), dbSNP rs41317153, ClinGen allele CA368222384.

ClinVar aggregate classification (germline): Uncertain significance. Review status: criteria provided, multiple submitters, no conflicts (2 of 4 stars). 2 submissions from 2 submitters: Uncertain significance (2). Last evaluated 2025-05-21.

Conditions:
Ehlers-Danlos syndrome, classic type, 1 (EDSCL1). Also called: EDS I; Ehlers-Danlos syndrome, type 1; EHLERS-DANLOS SYNDROME, GRAVIS TYPE; EHLERS-DANLOS SYNDROME, SEVERE CLASSIC TYPE; Ehlers-Danlos Syndrome, Classic Type, COL5A1-Related. Identifiers: MedGen C0268335, MONDO:0019567, OMIM 130000.
Osteogenesis imperfecta type I (OI1). Also called: Osteogenesis imperfecta type 1; Lobstein's Disease; OI, TYPE I; OSTEOGENESIS IMPERFECTA TARDA; OSTEOGENESIS IMPERFECTA WITH BLUE SCLERAE; Lobstein disease. Identifiers: Orphanet 216796, Orphanet 666, MedGen C0023931, MONDO:0008146, OMIM 166200. Disease mechanism: loss of function.

Submissions (2):

Labcorp Genetics (formerly Invitae), Labcorp
Classification: Uncertain significance for Osteogenesis imperfecta type I; Ehlers-Danlos syndrome, classic type, 1. Last evaluated: 2025-05-21. Review status: criteria provided, single submitter. Criteria: Invitae Variant Classification Sherloc (09022015). Collection method: clinical testing. Allele origin: germline.
Comment: This sequence change replaces alanine, which is neutral and non-polar, with proline, which is neutral and non-polar, at codon 564 of the COL1A2 protein (p.Ala564Pro). This variant is not present in population databases (gnomAD no frequency). This variant has not been reported in the literature in individuals affected with COL1A2-related conditions. ClinVar contains an entry for this variant (Variation ID: 1698291). Invitae Evidence Modeling of protein sequence and biophysical properties (such as structural, functional, and spatial information, amino acid conservation, physicochemical variation, residue mobility, and thermodynamic stability) indicates that this missense variant is not expected to disrupt COL1A2 protein function with a negative predictive value of 95%. In summary, the available evidence is currently insufficient to determine the role of this variant in disease. Therefore, it has been classified as a Variant of Uncertain Significance.

GeneDx
Classification: Uncertain significance. Last evaluated: 2022-01-21. Review status: criteria provided, single submitter. Criteria: GeneDx Variant Classification Process June 2021. Collection method: clinical testing. Allele origin: germline. Affected: yes.
Comment: Not observed at significant frequency in large population cohorts (gnomAD); In silico analysis supports that this missense variant does not alter protein structure/function; Occurs in the triple helical domain at the Y position in the canonical Gly-X-Y repeat. This variant may have an effect on normal protein folding and function, though missense substitution at the Y position is not a common mechanism of disease.; Has not been previously published as pathogenic or benign to our knowledge